The following is an entry in ClinVar:

ClinVar aggregate classification (germline): Uncertain significance. Review status: criteria provided, multiple submitters, no conflicts (2 of 4 stars). 2 submissions from 2 submitters: Uncertain significance (2). Last evaluated 2023-12-25.

Conditions:
Hereditary cancer-predisposing syndrome. Also called: Tumor predisposition; Hereditary neoplastic syndrome; Neoplastic Syndromes, Hereditary; Hereditary Cancer Syndrome. Identifiers: Orphanet 140162, MedGen C0027672, MeSH D009386, MONDO:0015356.
Familial cancer of breast. Also called: BREAST CANCER, FAMILIAL; Hereditary breast cancer; hereditary breast carcinoma. Identifiers: Orphanet 227535, MedGen C0346153, MONDO:0016419, OMIM 114480. Disease mechanism: loss of function.

Submissions (2):

Labcorp Genetics (formerly Invitae), Labcorp
Classification: Uncertain significance for Familial cancer of breast. Last evaluated: 2023-12-25. Review status: criteria provided, single submitter. Criteria: Invitae Variant Classification Sherloc (09022015). Collection method: clinical testing. Allele origin: germline.
Comment: This sequence change replaces alanine, which is neutral and non-polar, with serine, which is neutral and polar, at codon 459 of the CHEK2 protein (p.Ala459Ser). This variant also falls at the last nucleotide of exon 12, which is part of the consensus splice site for this exon. This variant is not present in population databases (gnomAD no frequency). This variant has not been reported in the literature in individuals affected with CHEK2-related conditions. ClinVar contains an entry for this variant (Variation ID: 1008998). An algorithm developed to predict the effect of missense changes on protein structure and function (PolyPhen-2) suggests that this variant is likely to be disruptive. Variants that disrupt the consensus splice site are a relatively common cause of aberrant splicing (PMID: 17576681, 9536098). Algorithms developed to predict the effect of sequence changes on RNA splicing suggest that this variant may disrupt the consensus splice site. In summary, the available evidence is currently insufficient to determine the role of this variant in disease. Therefore, it has been classified as a Variant of Uncertain Significance.

Ambry Genetics
Classification: Uncertain significance for Hereditary cancer-predisposing syndrome. Last evaluated: 2023-05-10. Review status: criteria provided, single submitter. Criteria: Ambry Variant Classification Scheme 2023. Collection method: clinical testing. Allele origin: germline.
Comment: The p.A459S variant (also known as c.1375G>T), located in coding exon 11 of the CHEK2 gene, results from a G to T substitution at nucleotide position 1375. The amino acid change results in alanine to serine at codon 459, an amino acid with similar properties. However, this change occurs in the last base pair of coding exon 11, which makes it likely to have some effect on normal mRNA splicing. This nucleotide position is highly conserved in available vertebrate species. This amino acid position is highly conserved in available vertebrate species. In silico splice site analysis predicts that this alteration may weaken the native splice donor site; however, direct evidence is insufficient at this time (Ambry internal data). In addition, as a missense substitution, this alteration is predicted to be tolerated by in silico analysis. Since supporting evidence is limited at this time, the clinical significance of this alteration remains unclear.

Literature cited by the submitters: PubMed 17576681 (cited by Labcorp Genetics (formerly Invitae), Labcorp); PubMed 9536098 (cited by Labcorp Genetics (formerly Invitae), Labcorp).

NM_007194.4(CHEK2):c.1375G>T (p.Ala459Ser)

Gene: CHEK2 (checkpoint kinase 2; minus strand). Cytogenetic location: 22q12.1.
Variant type: single nucleotide variant.
Coding change: c.1375G>T on transcript NM_007194.4 (MANE Select); coding-DNA position 1375, G replaced by T.
Protein change: p.Ala459Ser; replaces alanine 459 with serine.
Molecular consequence: missense variant.
Genome position (GRCh38, 1-based): chr22:28,695,127, C>A on the plus strand (G>T on the coding strand, the complement: CHEK2 is on the minus strand). VCF-style: chr22-28695127-C-A. GRCh37 (hg19) VCF-style: chr22-29091115-C-A.
Other names: c.1504G>T, p.Ala502Ser (NM_001005735.3); c.712G>T, p.Ala238Ser (NM_001257387.3); c.1174G>T, p.Ala392Ser (NM_001349956.3); c.1288G>T, p.Ala430Ser (NM_145862.3); short protein forms A238S, A392S, A430S, A459S, A502S.
Identifiers: ClinVar variation 1008998 (VCV001008998.12), dbSNP rs769729382, ClinGen allele CA411095330.